The following is an entry in ClinVar:

NM_000222.3(KIT):c.2665A>T (p.Met889Leu)

Gene: KIT (KIT proto-oncogene, receptor tyrosine kinase; plus strand). Cytogenetic location: 4q12.
Variant type: single nucleotide variant.
Coding change: c.2665A>T on transcript NM_000222.3 (MANE Select); coding-DNA position 2665, A replaced by T.
Protein change: p.Met889Leu; replaces methionine 889 with leucine.
Molecular consequence: missense variant.
Genome position (GRCh38, 1-based): chr4:54,736,789, A>T. VCF-style: chr4-54736789-A-T. GRCh37 (hg19) VCF-style: chr4-55602955-A-T.
Other names: c.2653A>T, p.Met885Leu (NM_001093772.2, NM_001385292.1); c.2668A>T, p.Met890Leu (NM_001385284.1); c.2662A>T, p.Met888Leu (NM_001385285.1); c.2650A>T, p.Met884Leu (NM_001385286.1); c.2656A>T, p.Met886Leu (NM_001385288.1); c.2665A>T, p.Met889Leu (NM_001385290.1); short protein forms M884L, M885L, M886L, M888L, M889L, M890L.
Identifiers: ClinVar variation 3230674 (VCV003230674.1), dbSNP rs2475583887, ClinGen allele CA356913966.

ClinVar aggregate classification (germline): Uncertain significance (1 of 4 stars; one submission).

Conditions:
Hereditary cancer-predisposing syndrome. Also called: Neoplastic Syndromes, Hereditary; Tumor predisposition; Hereditary neoplastic syndrome; Hereditary Cancer Syndrome. Identifiers: Orphanet 140162, MedGen C0027672, MeSH D009386, MONDO:0015356.

Submission:

Ambry Genetics
Classification: Uncertain significance for Hereditary cancer-predisposing syndrome. Last evaluated: 2023-10-08. Review status: criteria provided, single submitter. Criteria: Ambry Variant Classification Scheme 2023. Collection method: clinical testing. Allele origin: germline.
Comment: The p.M889L variant (also known as c.2665A>T), located in coding exon 19 of the KIT gene, results from an A to T substitution at nucleotide position 2665. The methionine at codon 889 is replaced by leucine, an amino acid with highly similar properties. This amino acid position is conserved. In addition, the in silico prediction for this alteration is inconclusive. Since supporting evidence is limited at this time, the clinical significance of this alteration remains unclear.